The following is an entry in ClinVar:

NM_022765.4(MICAL1):c.2003C>G (p.Pro668Arg)

Gene: MICAL1 (microtubule associated monooxygenase, calponin and LIM domain containing 1; minus strand). Cytogenetic location: 6q21.
Variant type: single nucleotide variant.
Coding change: c.2003C>G on transcript NM_022765.4 (MANE Select); coding-DNA position 2003, C replaced by G.
Protein change: p.Pro668Arg; replaces proline 668 with arginine.
Molecular consequence: missense variant.
Genome position (GRCh38, 1-based): chr6:109,447,424, G>C on the plus strand (C>G on the coding strand, the complement: MICAL1 is on the minus strand). VCF-style: chr6-109447424-G-C. GRCh37 (hg19) VCF-style: chr6-109768627-G-C.
Other names: c.1745C>G, p.Pro582Arg (NM_001159291.2); c.2060C>G, p.Pro687Arg (NM_001286613.2); c.2003C>G (NM_022765.3); short protein forms P687R, P582R, P668R.
Identifiers: ClinVar variation 2161318 (VCV002161318.5), dbSNP rs775298262, ClinGen allele CA3953111.

ClinVar aggregate classification (germline): Uncertain significance. Review status: criteria provided, multiple submitters, no conflicts (2 of 4 stars). 2 submissions from 2 submitters: Uncertain significance (2). Last evaluated 2025-08-29.

Allele frequency attached by ClinVar (database versions not stated): ExAC 0.00002; gnomAD 0.00003; gnomAD exomes 0.00004; TOPMed 0.00005.
gnomAD v4.1: 63 of 1,613,152 alleles (0.0039%); highest among the groups gnomAD compares: Non-Finnish European, 0.0053%; no homozygotes.

Submissions (2):

Ambry Genetics
Classification: Uncertain significance. Last evaluated: 2025-08-29. Review status: criteria provided, single submitter. Criteria: Ambry Variant Classification Scheme 2023. Collection method: clinical testing. Allele origin: germline.

Labcorp Genetics (formerly Invitae), Labcorp
Classification: Uncertain significance. Last evaluated: 2025-01-08. Review status: criteria provided, single submitter. Criteria: Invitae Variant Classification Sherloc (09022015). Collection method: clinical testing. Allele origin: germline.
Comment: This sequence change replaces proline, which is neutral and non-polar, with arginine, which is basic and polar, at codon 687 of the MICAL1 protein (p.Pro687Arg). This variant is present in population databases (rs775298262, gnomAD 0.007%). This variant has not been reported in the literature in individuals affected with MICAL1-related conditions. ClinVar contains an entry for this variant (Variation ID: 2161318). An algorithm developed to predict the effect of missense changes on protein structure and function (PolyPhen-2) suggests that this variant¬†is likely to be tolerated. In summary, the available evidence is currently insufficient to determine the role of this variant in disease. Therefore, it has been classified as a Variant of Uncertain Significance.